The following is an entry in ClinVar:

ClinVar aggregate classification (germline): Uncertain significance. Review status: criteria provided, single submitter (1 of 4 stars). 2 submissions from 1 submitter: Uncertain significance (2). Last evaluated 2018-06-20.

Conditions:
EPILEPSY, CHILDHOOD ABSENCE, SUSCEPTIBILITY TO, 2 (ECA2). Identifiers: Orphanet 64280, MedGen C1843244, OMIM 607681.
Febrile seizures, familial, 8 (FEB8). Also called: CONVULSIONS, FAMILIAL FEBRILE, 8. Identifiers: Orphanet 36387, MedGen C1969810, MONDO:0011891, OMIM 607681.
Developmental and epileptic encephalopathy, 74. Also called: EPILEPTIC ENCEPHALOPATHY, EARLY INFANTILE, 74. Identifiers: MedGen C5193074, MONDO:0032725, OMIM 618396.

Allele frequency attached by ClinVar (database versions not stated): TOPMed 0.00002.
gnomAD v4.1: 11 of 1,613,654 alleles (0.00068%); highest among the groups gnomAD compares: East Asian, 0.0045%; no homozygotes.

Submissions (2):

Center for Genomics, Ann and Robert H. Lurie Children's Hospital of Chicago
Classification: Uncertain significance for Febrile seizures, familial, 8. Last evaluated: 2018-06-20. Review status: criteria provided, single submitter. Criteria: ACMG Guidelines, 2015. Collection method: clinical testing. Allele origin: germline.
Comment: GABRG2 NM_198903.2 exon 7 p.Gly270= (c.810C>A): This variant has not been reported in the literature but is present in 2/17174 East Asian alleles in the Genome Aggregation Database. Evolutionary conservation and computational predictive tools for this variant are limited or unavailable. Of note, this variant is a silent variant and does not change the amino acid, reducing the probability that this variant is disease causing. In summary, data on this variant is insufficient for disease classification. Therefore, the clinical significance of this variant is uncertain.

Center for Genomics, Ann and Robert H. Lurie Children's Hospital of Chicago
Classification: Uncertain significance for Developmental and epileptic encephalopathy, 74; Febrile seizures, familial, 8. Review status: criteria provided, single submitter. Criteria: ACMG Guidelines, 2015. Collection method: clinical testing. Allele origin: germline.
Comment: the same text as in the submission from Center for Genomics, Ann and Robert H. Lurie Children's Hospital of Chicago above.

NM_198904.4(GABRG2):c.690C>A (p.Gly230=)

Gene: GABRG2 (gamma-aminobutyric acid type A receptor subunit gamma2; plus strand). Cytogenetic location: 5q34.
Variant type: single nucleotide variant.
Coding change: c.690C>A on transcript NM_198904.4 (MANE Select); coding-DNA position 690, C replaced by A.
Protein change: p.Gly230=; no amino-acid change (glycine 230 retained).
Molecular consequence: synonymous variant.
Genome position (GRCh38, 1-based): chr5:162,103,947, C>A. VCF-style: chr5-162103947-C-A. GRCh37 (hg19) VCF-style: chr5-161530953-C-A.
Other names: c.690C>A, p.Gly230= (NM_000816.3, NM_001375340.1, NM_001375341.1 and 2 more transcripts); c.681C>A, p.Gly227= (NM_001375339.1); c.810C>A, p.Gly270= (NM_001375343.1, NM_198903.2); c.624C>A, p.Gly208= (NM_001375345.1, NM_001375346.1); c.603C>A, p.Gly201= (NM_001375347.1); c.270C>A, p.Gly90= (NM_001375348.1, NM_001375350.1); c.405C>A, p.Gly135= (NM_001375349.1).
Identifiers: ClinVar variation 626111 (VCV000626111.3), dbSNP rs747988447, ClinGen allele CA3544800.